The following is an entry in ClinVar:

NM_000059.4(BRCA2):c.593T>C (p.Leu198Ser)

Gene: BRCA2 (BRCA2 DNA repair associated; plus strand). Cytogenetic location: 13q13.1.
Variant type: single nucleotide variant.
Coding change: c.593T>C on transcript NM_000059.4 (MANE Select); coding-DNA position 593, T replaced by C.
Protein change: p.Leu198Ser; replaces leucine 198 with serine.
Molecular consequence: missense variant.
Genome position (GRCh38, 1-based): chr13:32,326,575, T>C. VCF-style: chr13-32326575-T-C. GRCh37 (hg19) VCF-style: chr13-32900712-T-C.
Other names: short protein forms L198S.
Identifiers: ClinVar variation 927407 (VCV000927407.13), dbSNP rs778528034, ClinGen allele CA6940400.

ClinVar aggregate classification (germline): Uncertain significance. Review status: criteria provided, multiple submitters, no conflicts (2 of 4 stars). 4 submissions from 4 submitters: Uncertain significance (4). Last evaluated 2025-02-20.

Conditions:
Hereditary cancer-predisposing syndrome. Also called: Tumor predisposition; Hereditary neoplastic syndrome; Neoplastic Syndromes, Hereditary; Hereditary Cancer Syndrome. Identifiers: Orphanet 140162, MedGen C0027672, MeSH D009386, MONDO:0015356.
Hereditary breast ovarian cancer syndrome. Also called: Breast and ovarian cancer; BRCA1- and BRCA2-Associated Hereditary Breast and Ovarian Cancer; Hereditary breast and ovarian cancer; Hereditary breast and/or ovarian cancer syndrome; Hereditary breast and ovarian cancer syndrome; Hereditary breast and ovarian cancer syndrome (HBOC). Identifiers: Orphanet 145, MedGen C0677776, MeSH D061325, MONDO:0003582. Disease mechanism: loss of function.
Breast-ovarian cancer, familial, susceptibility to, 2 (BROVCA2). Also called: BRCA2 Hereditary Breast and Ovarian Cancer. Identifiers: Orphanet 145, MedGen C2675520, MONDO:0012933, OMIM 612555. Disease mechanism: loss of function.

Allele frequency attached by ClinVar (database versions not stated): gnomAD exomes below 0.00001; ExAC 0.00001.

Submissions (4):

Ambry Genetics
Classification: Uncertain significance for Hereditary cancer-predisposing syndrome. Last evaluated: 2025-02-20. Review status: criteria provided, single submitter. Criteria: Ambry Variant Classification Scheme 2023. Collection method: clinical testing. Allele origin: germline.
Comment: The p.L198S variant (also known as c.593T>C), located in coding exon 6 of the BRCA2 gene, results from a T to C substitution at nucleotide position 593. The leucine at codon 198 is replaced by serine, an amino acid with dissimilar properties. This amino acid position is conserved. In addition, this alteration is predicted to be tolerated by in silico analysis. Based on the available evidence, the clinical significance of this variant remains unclear.

All of Us Research Program, National Institutes of Health
Classification: Uncertain significance for Breast-ovarian cancer, familial, susceptibility to, 2. Last evaluated: 2023-02-24. Review status: criteria provided, single submitter. Criteria: ACMG Guidelines, 2015. Collection method: clinical testing. Allele origin: germline. Inheritance: Autosomal dominant inheritance. Observed: 2 variant alleles, 2 heterozygotes.
Comment: This missense variant replaces leucine with serine at codon 198 of the BRCA2 protein. Computational prediction suggests that this variant may not impact protein structure and function (internally defined REVEL score threshold <= 0.5, PMID: 27666373). Splice site prediction tools suggest that this variant may not impact RNA splicing. To our knowledge, functional studies have not been performed for this variant. This variant has not been reported in individuals affected with hereditary cancer in the literature. This variant has been identified in 1/251392 chromosomes in the general population by the Genome Aggregation Database (gnomAD). The available evidence is insufficient to determine the role of this variant in disease conclusively. Therefore, this variant is classified as a Variant of Uncertain Significance.

This study involves interpretation of variants in research participants for the purpose of population health screening. Participant phenotype was not available at the time of variant classification. Additional details can be found in publication PMID: 35346344, PMCID: PMC8962531

Color Diagnostics, LLC DBA Color Health
Classification: Uncertain significance for Hereditary cancer-predisposing syndrome. Last evaluated: 2023-01-03. Review status: criteria provided, single submitter. Criteria: ACMG Guidelines, 2015. Collection method: clinical testing. Allele origin: germline.
Comment: This missense variant replaces leucine with serine at codon 198 of the BRCA2 protein. Computational prediction suggests that this variant may not impact protein structure and function (internally defined REVEL score threshold <= 0.5, PMID: 27666373). To our knowledge, functional studies have not been reported for this variant. This variant has been reported in an individual affected with breast cancer (PMID: 33471991; Leiden Open Variation Database DB-ID BRCA2_007729). This variant has been identified in 1/251392 chromosomes in the general population by the Genome Aggregation Database (gnomAD). The available evidence is insufficient to determine the role of this variant in disease conclusively. Therefore, this variant is classified as a Variant of Uncertain Significance.

Labcorp Genetics (formerly Invitae), Labcorp
Classification: Uncertain significance for Hereditary breast ovarian cancer syndrome. Last evaluated: 2022-02-27. Review status: criteria provided, single submitter. Criteria: Invitae Variant Classification Sherloc (09022015). Collection method: clinical testing. Allele origin: germline.
Comment: In summary, the available evidence is currently insufficient to determine the role of this variant in disease. Therefore, it has been classified as a Variant of Uncertain Significance. Advanced modeling of protein sequence and biophysical properties (such as structural, functional, and spatial information, amino acid conservation, physicochemical variation, residue mobility, and thermodynamic stability) performed at Invitae indicates that this missense variant is not expected to disrupt BRCA2 protein function. ClinVar contains an entry for this variant (Variation ID: 927407). This variant has not been reported in the literature in individuals affected with BRCA2-related conditions. This variant is present in population databases (rs778528034, gnomAD 0.003%). This sequence change replaces leucine, which is neutral and non-polar, with serine, which is neutral and polar, at codon 198 of the BRCA2 protein (p.Leu198Ser).

Literature cited by the submitters: PubMed 33471991 (cited by Color Diagnostics, LLC DBA Color Health).